The following is an entry in ClinVar:

ClinVar aggregate classification (germline): Conflicting classifications of pathogenicity. Review status: criteria provided, conflicting classifications (1 of 4 stars). 2 submissions from 2 submitters: Uncertain significance (1); Likely benign (1). Last evaluated 2022-09-01.

Conditions:
Intellectual developmental disorder, X-linked 1. Also called: MENTAL RETARDATION, X-LINKED 18; MENTAL RETARDATION, X-LINKED 78; Intellectual disability, X-linked 1; Atkin Flaitz Patil Smith syndrome. Identifiers: Orphanet 777, MedGen C2931498, MONDO:0010656, OMIM 309530.

Allele frequency attached by ClinVar (database versions not stated): gnomAD exomes 0.00001 and 0.00003; gnomAD 0.00002; TOPMed 0.00002.
gnomAD v4.1: 31 of 1,209,437 alleles (0.0026%); highest among the groups gnomAD compares: Non-Finnish European, 0.0035%; no homozygotes.

Submissions (2):

Labcorp Genetics (formerly Invitae), Labcorp
Classification: Uncertain significance for Intellectual developmental disorder, X-linked 1. Last evaluated: 2022-09-01. Review status: criteria provided, single submitter. Criteria: Invitae Variant Classification Sherloc (09022015). Collection method: clinical testing. Allele origin: germline.
Comment: This sequence change falls in intron 6 of the IQSEC2 gene. It does not directly change the encoded amino acid sequence of the IQSEC2 protein. It affects a nucleotide within the consensus splice site. This variant is present in population databases (no rsID available, gnomAD 0.001%). This variant has not been reported in the literature in individuals affected with IQSEC2-related conditions. ClinVar contains an entry for this variant (Variation ID: 571587). Variants that disrupt the consensus splice site are a relatively common cause of aberrant splicing (PMID: 17576681, 9536098). Algorithms developed to predict the effect of sequence changes on RNA splicing suggest that this variant is not likely to affect RNA splicing. In summary, the available evidence is currently insufficient to determine the role of this variant in disease. Therefore, it has been classified as a Variant of Uncertain Significance.

GeneDx
Classification: Likely benign. Last evaluated: 2018-03-21. Review status: criteria provided, single submitter. Criteria: GeneDx Variant Classification (06012015). Collection method: clinical testing. Allele origin: germline. Affected: yes.
Comment: This variant is considered likely benign or benign based on one or more of the following criteria: it is a conservative change, it occurs at a poorly conserved position in the protein, it is predicted to be benign by multiple in silico algorithms, and/or has population frequency not consistent with disease.

Literature cited by the submitters: PubMed 17576681 (cited by Labcorp Genetics (formerly Invitae), Labcorp); PubMed 9536098 (cited by Labcorp Genetics (formerly Invitae), Labcorp).

NM_001111125.3(IQSEC2):c.2459+3G>A

Gene: IQSEC2 (IQ motif and Sec7 domain ArfGEF 2; minus strand). Cytogenetic location: Xp11.22.
Variant type: single nucleotide variant.
Coding change: c.2459+3G>A on transcript NM_001111125.3 (MANE Select); 3 bases into the intron after coding-DNA position 2459, G replaced by A.
Molecular consequence: intron variant.
Genome position (GRCh38, 1-based): chrX:53,248,718, C>T on the plus strand (G>A on the coding strand, the complement: IQSEC2 is on the minus strand). VCF-style: chrX-53248718-C-T. GRCh37 (hg19) VCF-style: chrX-53277900-C-T.
Other names: c.1844+3G>A (NM_015075.2).
Identifiers: ClinVar variation 571587 (VCV000571587.7), dbSNP rs1204856744, ClinGen allele CA641551557.